The following is an entry in ClinVar:

ClinVar aggregate classification (germline): Uncertain significance (1 of 4 stars; one submission).

Conditions:
Familial thoracic aortic aneurysm and aortic dissection (TAAD). Also called: Thoracic aortic aneurysms and dissections. Identifiers: Orphanet 91387, MedGen C4707243, MONDO:0019625.

Allele frequency attached by ClinVar (database versions not stated): gnomAD exomes below 0.00001; TOPMed 0.00001.
gnomAD v4.1: 1 of 1,613,380 alleles (0.000062%); highest among the groups gnomAD compares: East Asian, 0.0022%; no homozygotes.

Submission:

Color Diagnostics, LLC DBA Color Health
Classification: Uncertain significance for Familial thoracic aortic aneurysm and aortic dissection. Last evaluated: 2024-03-06. Review status: criteria provided, single submitter. Criteria: ACMG Guidelines, 2015. Collection method: clinical testing. Allele origin: germline.
Comment: This missense variant replaces valine with methionine at codon 356 of the MYH11 protein. Computational prediction suggests that this variant may not impact protein structure and function (internally defined REVEL score threshold <= 0.5, PMID: 27666373). To our knowledge, functional studies have not been reported for this variant. This variant has not been reported in individuals affected with cardiovascular disorders in the literature. This variant has been identified in 1/251172 chromosomes in the general population by the Genome Aggregation Database (gnomAD). The available evidence is insufficient to determine the role of this variant in disease conclusively. Therefore, this variant is classified as a Variant of Uncertain Significance.

NM_002474.3(MYH11):c.1045G>A (p.Val349Met)

Gene: MYH11 (myosin heavy chain 11; minus strand). Cytogenetic location: 16p13.11.
Variant type: single nucleotide variant.
Coding change: c.1045G>A on transcript NM_002474.3 (MANE Select); coding-DNA position 1045, G replaced by A.
Protein change: p.Val349Met; replaces valine 349 with methionine.
Molecular consequence: missense variant.
Genome position (GRCh38, 1-based): chr16:15,763,880, C>T on the plus strand (G>A on the coding strand, the complement: MYH11 is on the minus strand). VCF-style: chr16-15763880-C-T. GRCh37 (hg19) VCF-style: chr16-15857737-C-T.
Other names: c.1066G>A, p.Val356Met (NM_001040113.2, NM_001040114.2); c.1045G>A, p.Val349Met (NM_022844.3); short protein forms V349M, V356M.
Identifiers: ClinVar variation 919587 (VCV000919587.4), dbSNP rs1414623292, ClinGen allele CA394865945.